The following is an entry in ClinVar:

ClinVar aggregate classification (germline): Likely pathogenic. Review status: criteria provided, multiple submitters, no conflicts (2 of 4 stars). 4 submissions from 4 submitters: Likely pathogenic (3). 1 of the submissions does not count toward it. Last evaluated 2025-01-21.

Conditions:
Megalencephalic leukoencephalopathy with subcortical cysts. Also called: VAN DER KNAAP DISEASE. Identifiers: Orphanet 2478, MedGen C1858854, MONDO:0011391.
Megalencephalic leukoencephalopathy with subcortical cysts 1 (MLC1). Also called: LEUKOENCEPHALOPATHY WITH SWELLING AND CYSTS; VACUOLATING MEGALENCEPHALIC LEUKOENCEPHALOPATHY WITH SUBCORTICAL CYSTS. Identifiers: Orphanet 2478, MedGen C5779875, MONDO:0024555, OMIM 604004.

Allele frequency attached by ClinVar (database versions not stated): gnomAD exomes below 0.00001 and 0.00001; ExAC 0.00001; TOPMed 0.00001.
gnomAD v4.1: 3 of 1,606,656 alleles (0.00019%); highest among the groups gnomAD compares: African/African-American, 0.0027%; no homozygotes.

Submissions (4):

Natera, Inc.
Classification: Likely pathogenic for Megalencephalic leukoencephalopathy with subcortical cysts. Last evaluated: 2025-01-21. Review status: criteria provided, single submitter. Criteria: Natera Variant Classification Schema (03/2026). Collection method: clinical testing. Allele origin: germline.
Comment: The c.321+1G>A variant in MLC1 is a canonical splice donor site variant predicted to affect pre-mRNA splicing, which may result in an abnormal transcript and altered protein product. This variant is expected to result in nonsense mediated decay, truncation, or a dysfunctional protein product. This variant is rare in the general population with a frequency below the threshold expected for the associated phenotype(s). Given the available evidence, this variant is classified as Likely Pathogenic.

Labcorp Genetics (formerly Invitae), Labcorp
Classification: Likely pathogenic. Last evaluated: 2024-01-24. Review status: criteria provided, single submitter. Criteria: Invitae Variant Classification Sherloc (09022015). Collection method: clinical testing. Allele origin: germline.
Comment: This sequence change affects a donor splice site in intron 4 of the MLC1 gene. It is expected to disrupt RNA splicing. Variants that disrupt the donor or acceptor splice site typically lead to a loss of protein function (PMID: 16199547), and loss-of-function variants in MLC1 are known to be pathogenic (PMID: 11254442, 16470554, 24824219). The frequency data for this variant in the population databases is considered unreliable, as metrics indicate poor data quality at this position in the gnomAD database. This variant has not been reported in the literature in individuals affected with MLC1-related conditions. ClinVar contains an entry for this variant (Variation ID: 550431). Algorithms developed to predict the effect of sequence changes on RNA splicing suggest that this variant may disrupt the consensus splice site. In summary, the currently available evidence indicates that the variant is pathogenic, but additional data are needed to prove that conclusively. Therefore, this variant has been classified as Likely Pathogenic.

Fulgent Genetics
Classification: Likely pathogenic for Megalencephalic leukoencephalopathy with subcortical cysts 1. Last evaluated: 2024-01-05. Review status: criteria provided, single submitter. Criteria: ACMG Guidelines, 2015. Collection method: clinical testing. Allele origin: germline.

Counsyl
Classification: Likely pathogenic for Megalencephalic leukoencephalopathy with subcortical cysts 1. Last evaluated: 2017-01-24. Review status: no assertion criteria provided. Collection method: clinical testing. Allele origin: unknown. Not counted in ClinVar's aggregate classification.

Literature cited by the submitters: PubMed 16199547 (cited by Labcorp Genetics (formerly Invitae), Labcorp); PubMed 11254442 (cited by Labcorp Genetics (formerly Invitae), Labcorp); PubMed 16470554 (cited by Labcorp Genetics (formerly Invitae), Labcorp); PubMed 24824219 (cited by Labcorp Genetics (formerly Invitae), Labcorp).

NM_015166.4(MLC1):c.321+1G>A

Gene: MLC1 (modulator of VRAC current 1; minus strand). Cytogenetic location: 22q13.33.
Variant type: single nucleotide variant.
Coding change: c.321+1G>A on transcript NM_015166.4 (MANE Select); the canonical splice donor site of the intron after coding-DNA position 321, G replaced by A.
Molecular consequence: splice donor variant. On other transcripts: intron variant (2).
Genome position (GRCh38, 1-based): chr22:50,080,343, C>T on the plus strand (G>A on the coding strand, the complement: MLC1 is on the minus strand). VCF-style: chr22-50080343-C-T. GRCh37 (hg19) VCF-style: chr22-50518772-C-T.
Other names: c.321+1G>A (NM_001376474.1, NM_001376475.1, NM_001376476.1 and 7 more transcripts); c.84+1G>A (NM_001376484.1); c.231+1G>A (NM_001376480.1); c.267+2741G>A (NM_001376482.1, NM_001376483.1).
Identifiers: ClinVar variation 550431 (VCV000550431.14), dbSNP rs765879182, ClinGen allele CA10303612.